The following is an entry in ClinVar:

ClinVar aggregate classification (germline): Benign. Review status: criteria provided, multiple submitters, no conflicts (2 of 4 stars). 3 submissions from 2 submitters: Benign (3). Last evaluated 2021-05-13.

Conditions:
Leigh syndrome (NULS). Also called: Leigh's syndrome; Leigh Syndrome (mtDNA deletion); Leigh Disease; Leigh's necrotizing encephalopathy; Leigh's disease; Subacute necrotizing encephalopathy. Identifiers: Orphanet 506, MedGen C2931891, MONDO:0009723, OMIM 256000.
Mitochondrial complex I deficiency, nuclear type 1. Also called: NADH-COENZYME Q REDUCTASE DEFICIENCY; MITOCHONDRIAL NADH DEHYDROGENASE COMPONENT OF COMPLEX I, DEFICIENCY OF. Identifiers: MedGen C6022305, MONDO:0100224, OMIM 252010.

Allele frequency attached by ClinVar (database versions not stated): gnomAD exomes 0.00515; gnomAD 0.04972 and 0.05326; 1000 Genomes Project 0.05391; TOPMed 0.05630; 1000 Genomes Project 30x 0.05887.

Submissions (3):

GeneDx
Classification: Benign. Last evaluated: 2021-05-13. Review status: criteria provided, single submitter. Criteria: GeneDx Variant Classification Process June 2021. Collection method: clinical testing. Allele origin: germline. Affected: yes.

Illumina Laboratory Services, Illumina
Classification: Benign for Mitochondrial complex I deficiency, nuclear type 1. Last evaluated: 2018-01-13. Review status: criteria provided, single submitter. Criteria: ICSL Variant Classification Criteria 13 December 2019. Collection method: clinical testing. Allele origin: germline.
Comment: This variant was observed in the ICSL laboratory as part of a predisposition screen in an ostensibly healthy population. It had not been previously curated by ICSL or reported in the Human Gene Mutation Database (HGMD: prior to June 1st, 2018), and was therefore a candidate for classification through an automated scoring system. Utilizing variant allele frequency, disease prevalence and penetrance estimates, and inheritance mode, an automated score was calculated to assess if this variant is too frequent to cause the disease. Based on the score and internal cut-off values, a variant classified as benign is not then subjected to further curation. The score for this variant resulted in a classification of benign for this disease.

Illumina Laboratory Services, Illumina
Classification: Benign for Leigh syndrome. Last evaluated: 2018-01-13. Review status: criteria provided, single submitter. Criteria: ICSL Variant Classification Criteria 13 December 2019. Collection method: clinical testing. Allele origin: germline.
Comment: the same text as in the submission from Illumina Laboratory Services, Illumina above.

NM_004544.4(NDUFA10):c.*631C>T

Gene: NDUFA10 (NADH:ubiquinone oxidoreductase subunit A10; minus strand). Cytogenetic location: 2q37.3.
Variant type: single nucleotide variant.
Coding change: c.*631C>T on transcript NM_004544.4 (MANE Select); 631 bases downstream of the stop codon, C replaced by T.
Molecular consequence: 3 prime UTR variant. On other transcripts: non-coding transcript variant (3).
Genome position (GRCh38, 1-based): chr2:239,960,487, G>A on the plus strand (C>T on the coding strand, the complement: NDUFA10 is on the minus strand). VCF-style: chr2-239960487-G-A. GRCh37 (hg19) VCF-style: chr2-240899904-G-A.
Other names: c.*636C>T (NM_001322020.2).
Identifiers: ClinVar variation 335189 (VCV000335189.8), dbSNP rs10933622, ClinGen allele CA10614715.